The following is an entry in ClinVar:

NM_001330736.2(ZNF518A):c.2435A>G (p.His812Arg)

Gene: ZNF518A (zinc finger protein 518A; plus strand). Cytogenetic location: 10q24.1.
Variant type: single nucleotide variant.
Coding change: c.2435A>G on transcript NM_001330736.2 (MANE Select); coding-DNA position 2435, A replaced by G.
Protein change: p.His812Arg; replaces histidine 812 with arginine.
Molecular consequence: missense variant.
Genome position (GRCh38, 1-based): chr10:96,158,757, A>G. VCF-style: chr10-96158757-A-G. GRCh37 (hg19) VCF-style: chr10-97918514-A-G.
Other names: c.2435A>G, p.His812Arg (NM_001278524.2, NM_001278525.2, NM_001330732.2 and 6 more transcripts); c.845A>G, p.His282Arg (NM_001278526.2); short protein forms H282R, H812R.
Identifiers: ClinVar variation 2640727 (VCV002640727.24), dbSNP rs149606048, ClinGen allele CA5622791.
Genomic context (GRCh38, chr10:96,158,757, plus strand): 5'-AAATAAAACCTGATGTAAAACAAGACTCTAGTAACACTCCAAATAAAGGCTTGCCACTTC[A>G]TTGTGACCAGTCATTTCAAAAACACGAGAGAGAAGGCAAAATTGTTGAATCTTCGAAAGA-3'
Protein context (NP_001317665.1, residues 802-822): SNTPNKGLPL[His812Arg]CDQSFQKHER

ClinVar aggregate classification (germline): Likely benign (1 of 4 stars; one submission).

Allele frequency attached by ClinVar (database versions not stated): 1000 Genomes Project 0.00280; 1000 Genomes Project 30x 0.00297; ESP Exome Variant Server 0.00479.
gnomAD v4.1: 9,883 of 1,613,452 alleles (0.61%); highest among the groups gnomAD compares: Non-Finnish European, 0.72%; 51 homozygotes.

Submission:

CeGaT Center for Human Genetics Tuebingen
Classification: Likely benign. Last evaluated: 2023-02-01. Review status: criteria provided, single submitter. Criteria: CeGaT Center For Human Genetics Tuebingen Variant Classification Criteria Version 2. Collection method: clinical testing. Allele origin: germline. Affected: yes. Observed: 3 variant alleles.
Comment: ZNF518A: BP4, BS2